The following is an entry in ClinVar:

NM_015102.5(NPHP4):c.3703C>T (p.Arg1235Cys)

Gene: NPHP4 (nephrocystin 4; minus strand). Cytogenetic location: 1p36.31.
Variant type: single nucleotide variant.
Coding change: c.3703C>T on transcript NM_015102.5 (MANE Select); coding-DNA position 3703, C replaced by T.
Protein change: p.Arg1235Cys; replaces arginine 1235 with cysteine.
Molecular consequence: missense variant. On other transcripts: non-coding transcript variant (1).
Genome position (GRCh38, 1-based): chr1:5,865,215, G>A on the plus strand (C>T on the coding strand, the complement: NPHP4 is on the minus strand). VCF-style: chr1-5865215-G-A. GRCh37 (hg19) VCF-style: chr1-5925275-G-A.
Other names: c.2164C>T, p.Arg722Cys (NM_001291593.2); c.2167C>T, p.Arg723Cys (NM_001291594.2); c.3703C>T (NM_015102.4); short protein forms R1235C, R723C, R722C.
Identifiers: ClinVar variation 297791 (VCV000297791.13), dbSNP rs774386141, ClinGen allele CA553496.

ClinVar aggregate classification (germline): Uncertain significance. Review status: criteria provided, multiple submitters, no conflicts (2 of 4 stars). 5 submissions from 4 submitters: Uncertain significance (5). Last evaluated 2026-02-06.

Conditions:
Senior-Loken syndrome 4 (SLSN4). Identifiers: Orphanet 3156, MedGen C1846979, MONDO:0011756, OMIM 606996.
Nephronophthisis 4 (NPHP4). Also called: NEPHRONOPHTHISIS 4, JUVENILE. Identifiers: Orphanet 655, MedGen C1847013, MONDO:0011752, OMIM 606966.
NPHP4-related disorder. Also called: NPHP4-related disorders; NPHP4-related condition. Identifiers: MedGen CN239384.
Nephronophthisis. Also called: Juvenile Nephronophthisis. Identifiers: Orphanet 655, MedGen C0687120, MONDO:0019005, HP:0000090.

Allele frequency attached by ClinVar (database versions not stated): gnomAD exomes 0.00002 and 0.00003; gnomAD 0.00003; TOPMed 0.00004; ExAC 0.00005.
gnomAD v4.1: 25 of 1,604,656 alleles (0.0016%); highest among the groups gnomAD compares: Admixed American, 0.0067%; no homozygotes.

Submissions (5):

PreventionGenetics, part of Exact Sciences
Classification: Uncertain significance for NPHP4-related condition. Last evaluated: 2026-02-06. Review status: criteria provided, single submitter. Criteria: ACMG Guidelines, 2015. Collection method: clinical testing. Allele origin: germline.
Comment: The NPHP4 c.3703C>T variant is predicted to result in the amino acid substitution p.Arg1235Cys. This variant was reported along with a second missense variant and a frameshift variant in NPHP4 in an individual with nephronophthisis (Supplementary Table S1, Petzold et al. 2023. PubMed ID: 37230223). This variant is reported in 0.012% of alleles in individuals of Latino descent in gnomAD. At this time, the clinical significance of this variant is uncertain due to the absence of conclusive functional and genetic evidence.

Labcorp Genetics (formerly Invitae), Labcorp
Classification: Uncertain significance for Nephronophthisis. Last evaluated: 2024-05-23. Review status: criteria provided, single submitter. Criteria: Invitae Variant Classification Sherloc (09022015). Collection method: clinical testing. Allele origin: germline.
Comment: This sequence change replaces arginine, which is basic and polar, with cysteine, which is neutral and slightly polar, at codon 1235 of the NPHP4 protein (p.Arg1235Cys). This variant is present in population databases (rs774386141, gnomAD 0.01%). This variant has not been reported in the literature in individuals affected with NPHP4-related conditions. ClinVar contains an entry for this variant (Variation ID: 297791). Advanced modeling of protein sequence and biophysical properties (such as structural, functional, and spatial information, amino acid conservation, physicochemical variation, residue mobility, and thermodynamic stability) performed at Invitae indicates that this missense variant is expected to disrupt NPHP4 protein function with a positive predictive value of 80%. In summary, the available evidence is currently insufficient to determine the role of this variant in disease. Therefore, it has been classified as a Variant of Uncertain Significance.

Fulgent Genetics
Classification: Uncertain significance for Nephronophthisis 4; Senior-Loken syndrome 4. Last evaluated: 2021-07-12. Review status: criteria provided, single submitter. Criteria: ACMG Guidelines, 2015. Collection method: clinical testing. Allele origin: unknown.

Illumina Laboratory Services, Illumina
Classification: Uncertain significance for Nephronophthisis 4. Last evaluated: 2018-01-13. Review status: criteria provided, single submitter. Criteria: ICSL Variant Classification Criteria 13 December 2019. Collection method: clinical testing. Allele origin: germline.

Illumina Laboratory Services, Illumina
Classification: Uncertain significance for Senior-Loken syndrome 4. Last evaluated: 2018-01-13. Review status: criteria provided, single submitter. Criteria: ICSL Variant Classification Criteria 13 December 2019. Collection method: clinical testing. Allele origin: germline.